The following is an entry in ClinVar:

NM_206933.4(USH2A):c.4397-1G>A

Gene: USH2A (usherin; minus strand). Cytogenetic location: 1q41.
Variant type: single nucleotide variant.
Coding change: c.4397-1G>A on transcript NM_206933.4 (MANE Select); the canonical splice acceptor site of the intron before coding-DNA position 4397, G replaced by A.
Molecular consequence: splice acceptor variant.
Genome position (GRCh38, 1-based): chr1:216,175,483, C>T on the plus strand (G>A on the coding strand, the complement: USH2A is on the minus strand). VCF-style: chr1-216175483-C-T. GRCh37 (hg19) VCF-style: chr1-216348825-C-T.
Other names: c.4397-1G>A (NM_007123.6).
Identifiers: ClinVar variation 550873 (VCV000550873.21), dbSNP rs199982344, ClinGen allele CA1395712.
Genomic context (GRCh38, chr1:216,175,483, plus strand): 5'-TAAGATGGATTGTTGTGCTGTTGATTCCTTTAACCAGAGGTGGCCTCAGTTGTGCTGGTG[C>T]TAAATATTAGAAAACACCTGTTATATTCAAGAATTTGGTTTCTGTCTCTAGACACACATA-3'

ClinVar aggregate classification (germline): Pathogenic/Likely pathogenic. Review status: criteria provided, multiple submitters, no conflicts (2 of 4 stars). 10 submissions from 9 submitters: Pathogenic (1); Likely pathogenic (7). 2 of the submissions do not count toward it. Last evaluated 2026-01-19.

Conditions:
Usher syndrome. Also called: Usher Syndromes; Usher's syndrome. Identifiers: Orphanet 886, MedGen CN469326, MeSH D052245, MONDO:0019501. Disease mechanism: loss of function.
Usher syndrome type 2A. Also called: RETINAL DISEASE IN USHER SYNDROME TYPE IIA, MODIFIER OF; USHER SYNDROME, TYPE IIA. Identifiers: Orphanet 231178, Orphanet 886, MedGen C1848634, MONDO:0010169, OMIM 276901.
Retinitis pigmentosa 39 (RP39). Identifiers: Orphanet 791, MedGen C3151138, MONDO:0013436, OMIM 613809.
USH2A-related disorder. Also called: USH2A-related disorders; USH2A-related condition. Identifiers: MedGen CN239332.

Allele frequency attached by ClinVar (database versions not stated): gnomAD exomes below 0.00001 and 0.00001; ExAC 0.00002; TOPMed 0.00003; gnomAD 0.00009; 1000 Genomes Project 30x 0.00016; 1000 Genomes Project 0.00020; ESP Exome Variant Server 0.00023.
gnomAD v4.1: 20 of 1,613,568 alleles (0.0012%); highest among the groups gnomAD compares: African/African-American, 0.023%; no homozygotes.

Submissions (10):

Labcorp Genetics (formerly Invitae), Labcorp
Classification: Pathogenic. Last evaluated: 2026-01-19. Review status: criteria provided, single submitter. Criteria: Invitae Variant Classification Sherloc (09022015). Collection method: clinical testing. Allele origin: germline.
Comment: This sequence change affects an acceptor splice site in intron 20 of the USH2A gene. It is expected to disrupt RNA splicing. Variants that disrupt the donor or acceptor splice site typically lead to a loss of protein function (PMID: 16199547), and loss-of-function variants in USH2A are known to be pathogenic (PMID: 10729113, 10909849, 20507924, 25649381). This variant is present in population databases (rs199982344, gnomAD 0.03%). Disruption of this splice site has been observed in individuals with retinitis pigmentosa (internal data). ClinVar contains an entry for this variant (Variation ID: 550873). Algorithms developed to predict the effect of sequence changes on RNA splicing suggest that this variant may disrupt the consensus splice site. For these reasons, this variant has been classified as Pathogenic.

Women's Health and Genetics/Laboratory Corporation of America, LabCorp
Classification: Likely pathogenic for Usher syndrome. Last evaluated: 2025-03-14. Review status: criteria provided, single submitter. Criteria: LabCorp Variant Classification Summary - May 2015. Collection method: clinical testing. Allele origin: germline.
Comment: Variant summary: USH2A c.4397-1G>A is located in a canonical splice-site and is predicted to affect mRNA splicing resulting in a significantly altered protein due to either exon skipping, shortening, or inclusion of intronic material. Variants that disrupt the consensus splice site are a relatively common cause of aberrant splicing and loss of USH2A function. Several computational tools predict a significant impact on normal splicing: Two predict the variant abolishes the canonical 3' acceptor site and predict the variant creates a new cryptic 3' acceptor site. However, these predictions have yet to be confirmed by functional studies. The variant allele was found at a frequency of 1.2e-05 in 250532 control chromosomes. To our knowledge, no occurrence of c.4397-1G>A in individuals affected with Usher Syndrome and no experimental evidence demonstrating its impact on protein function have been reported. ClinVar contains an entry for this variant (Variation ID: 550873). Based on the evidence outlined above, the variant was classified as likely pathogenic.

Fulgent Genetics
Classification: Likely pathogenic for Usher syndrome type 2A; Retinitis pigmentosa 39. Last evaluated: 2024-05-13. Review status: criteria provided, single submitter. Criteria: ACMG Guidelines, 2015. Collection method: clinical testing. Allele origin: germline.

Baylor Genetics
Classification: Likely pathogenic for Retinitis pigmentosa 39. Last evaluated: 2024-03-27. Review status: criteria provided, single submitter. Criteria: ACMG Guidelines, 2015. Collection method: clinical testing. Allele origin: unknown.

Genome-Nilou Lab
Classification: Likely pathogenic for Retinitis pigmentosa 39. Last evaluated: 2023-04-11. Review status: criteria provided, single submitter. Criteria: ACMG Guidelines, 2015. Collection method: clinical testing. Allele origin: germline. Affected: no.

Genome-Nilou Lab
Classification: Likely pathogenic for Usher syndrome type 2A. Last evaluated: 2023-04-11. Review status: criteria provided, single submitter. Criteria: ACMG Guidelines, 2015. Collection method: clinical testing. Allele origin: germline. Affected: no.

PreventionGenetics, part of Exact Sciences
Classification: Likely pathogenic for USH2A-related condition. Last evaluated: 2023-02-09. Review status: criteria provided, single submitter. Criteria: ACMG Guidelines, 2015. Collection method: clinical testing. Allele origin: germline.
Comment: The USH2A c.4397-1G>A variant is predicted to disrupt the AG splice acceptor site and interfere with normal splicing. To our knowledge, this variant has not been reported in the literature. This variant is reported in 0.024% of alleles in individuals of African descent in gnomAD. Variants that disrupt the consensus splice acceptor site in USH2A are expected to be pathogenic. This variant is interpreted as likely pathogenic.

Blueprint Genetics
Classification: Likely pathogenic for USH2A-related disorders. Last evaluated: 2019-11-25. Review status: criteria provided, single submitter. Criteria: ACMG Guidelines, 2015. Collection method: clinical testing. Allele origin: germline. Affected: yes. Observed: 5 variant alleles.

Natera, Inc.
Classification: Likely pathogenic for Usher syndrome type 2A. Last evaluated: 2020-09-29. Review status: no assertion criteria provided. Collection method: clinical testing. Allele origin: germline. Not counted in ClinVar's aggregate classification.

Counsyl
Classification: Likely pathogenic for Usher syndrome type 2A; Retinitis pigmentosa 39. Last evaluated: 2017-03-22. Review status: no assertion criteria provided. Collection method: clinical testing. Allele origin: unknown. Not counted in ClinVar's aggregate classification.

Literature cited by the submitters: PubMed 16199547 (cited by Labcorp Genetics (formerly Invitae), Labcorp); PubMed 10729113 (cited by Labcorp Genetics (formerly Invitae), Labcorp); PubMed 10909849 (cited by Labcorp Genetics (formerly Invitae), Labcorp); PubMed 20507924 (cited by Labcorp Genetics (formerly Invitae), Labcorp); PubMed 25649381 (cited by Labcorp Genetics (formerly Invitae), Labcorp).